The following is an entry in ClinVar:

NM_006767.4(LZTR1):c.2370G>A (p.Arg790=)

Gene: LZTR1 (leucine zipper like post translational regulator 1; plus strand). Cytogenetic location: 22q11.21.
Variant type: single nucleotide variant.
Coding change: c.2370G>A on transcript NM_006767.4 (MANE Select); coding-DNA position 2370, G replaced by A.
Protein change: p.Arg790=; no amino-acid change (arginine 790 retained).
Molecular consequence: synonymous variant.
Genome position (GRCh38, 1-based): chr22:20,996,930, G>A. VCF-style: chr22-20996930-G-A. GRCh37 (hg19) VCF-style: chr22-21351219-G-A.
Identifiers: ClinVar variation 1790298 (VCV001790298.8), dbSNP rs905460468, ClinGen allele CA322273790.
Genomic context (GRCh38, chr22:20,996,930, plus strand): 5'-GTCCCTGCCATTGCAGATCCTGGAGGCAGCTGACAAAACGCAGGCACTGGACATGAAGCG[G>A]CACTGCCTGCACATCATTGTGCACCAGTTCACCAAGGTCAGGGCTCTGGCCTCCCCTTCA-3'
Protein context (NP_006758.2, residues 780-800): ADKTQALDMK[Arg790=]HCLHIIVHQF

ClinVar aggregate classification (germline): Likely benign. Review status: criteria provided, multiple submitters, no conflicts (2 of 4 stars). 3 submissions from 3 submitters: Likely benign (3). Last evaluated 2026-07-01.

Conditions:
Hereditary cancer-predisposing syndrome. Also called: Hereditary neoplastic syndrome; Neoplastic Syndromes, Hereditary; Tumor predisposition; Hereditary Cancer Syndrome. Identifiers: Orphanet 140162, MedGen C0027672, MeSH D009386, MONDO:0015356.
Cardiovascular phenotype. Identifiers: MedGen CN230736.

Allele frequency attached by ClinVar (database versions not stated): TOPMed 0.00001.
gnomAD v4.1: 2 of 1,613,272 alleles (0.00012%); highest among the groups gnomAD compares: African/African-American, 0.0027%; no homozygotes.

Submissions (3):

CeGaT Center for Human Genetics Tuebingen
Classification: Likely benign. Last evaluated: 2026-07-01. Review status: criteria provided, single submitter. Criteria: CeGaT Center For Human Genetics Tuebingen Variant Classification Criteria Version 2. Collection method: clinical testing. Allele origin: germline. Affected: yes. Observed: 1 variant allele.
Comment: LZTR1: BP4, BP7

Labcorp Genetics (formerly Invitae), Labcorp
Classification: Likely benign. Last evaluated: 2026-01-06. Review status: criteria provided, single submitter. Criteria: Invitae Variant Classification Sherloc (09022015). Collection method: clinical testing. Allele origin: germline.

Ambry Genetics
Classification: Likely benign for Cardiovascular phenotype; Hereditary cancer-predisposing syndrome. Last evaluated: 2021-06-04. Review status: criteria provided, single submitter. Criteria: Ambry Variant Classification Scheme 2023. Collection method: clinical testing. Allele origin: germline.